The following is an entry in ClinVar:

NM_012144.4(DNAI1):c.146_149del (p.Val49fs)

Gene: DNAI1 (dynein axonemal intermediate chain 1; plus strand). Cytogenetic location: 9p13.3.
Variant type: Deletion.
Coding change: c.146_149del on transcript NM_012144.4 (MANE Select); coding-DNA positions 146 to 149, 4 bases deleted (TTAG; older notation c.146_149delTTAG).
Protein change: p.Val49fs; shifts the reading frame from valine 49.
Molecular consequence: frameshift variant.
Genome position (GRCh38, 1-based): chr9:34,485,206-34,485,209, TTAG deleted; deleting any 4 consecutive bases within chr9:34,485,204-34,485,209 gives the same sequence; the c. name uses the placement nearest the transcript's 3' end. VCF-style (leftmost placement, unchanged base first): chr9-34485203-CAGTT-C. GRCh37 (hg19) VCF-style: chr9-34485201-CAGTT-C.
Other names: c.146_149del, p.Val49fs (NM_001281428.2); short protein forms V49fs.
Identifiers: ClinVar variation 1071038 (VCV001071038.8), dbSNP rs2132057373, ClinGen allele CA2499219842.

ClinVar aggregate classification (germline): Pathogenic (1 of 4 stars; one submission).

Conditions:
Primary ciliary dyskinesia. Also called: Ciliary dyskinesia. Identifiers: Orphanet 244, MedGen C0008780, MONDO:0016575, HP:0012265.

Submission:

Labcorp Genetics (formerly Invitae), Labcorp
Classification: Pathogenic for Primary ciliary dyskinesia. Last evaluated: 2023-03-27. Review status: criteria provided, single submitter. Criteria: Invitae Variant Classification Sherloc (09022015). Collection method: clinical testing. Allele origin: germline.
Comment: This sequence change creates a premature translational stop signal (p.Val49Aspfs*8) in the DNAI1 gene. It is expected to result in an absent or disrupted protein product. Loss-of-function variants in DNAI1 are known to be pathogenic (PMID: 16858015, 29363216). This variant is not present in population databases (gnomAD no frequency). This variant has not been reported in the literature in individuals affected with DNAI1-related conditions. ClinVar contains an entry for this variant (Variation ID: 1071038). For these reasons, this variant has been classified as Pathogenic.

Literature cited by the submitters: PubMed 16858015; PubMed 29363216.